The following is an entry in ClinVar:

NM_000540.3(RYR1):c.4482G>A (p.Val1494=)

Gene: RYR1 (ryanodine receptor 1; plus strand). Cytogenetic location: 19q13.2.
Variant type: single nucleotide variant.
Coding change: c.4482G>A on transcript NM_000540.3 (MANE Select); coding-DNA position 4482, G replaced by A.
Protein change: p.Val1494=; no amino-acid change (valine 1494 retained).
Molecular consequence: synonymous variant.
Genome position (GRCh38, 1-based): chr19:38,478,462, G>A. VCF-style: chr19-38478462-G-A. GRCh37 (hg19) VCF-style: chr19-38969102-G-A.
Other names: c.4482G>A, p.Val1494= (NM_001042723.2).
Identifiers: ClinVar variation 2901400 (VCV002901400.4), dbSNP rs540264243, ClinGen allele CA066147.

ClinVar aggregate classification (germline): Conflicting classifications of pathogenicity. Review status: criteria provided, conflicting classifications (1 of 4 stars). 2 submissions from 2 submitters: Uncertain significance (1); Likely benign (1). Last evaluated 2024-07-01.

Conditions:
RYR1-related disorder. Also called: RYR1-related condition; RYR1-related disorders. Identifiers: MedGen CN239331.
Malignant hyperthermia, susceptibility to, 1 (MHS1). Also called: Malignant hyperthermia suceptibility 1; Anesthesia related hyperthermia; Malignant hyperpyrexia; Fulminating hyperpyrexia; Pharmacogenic myopathy; RYR1-Related Malignant Hyperthermia Susceptibility. Identifiers: Orphanet 423, MedGen C2930980, MONDO:0007783, OMIM 145600.

Allele frequency attached by ClinVar (database versions not stated): ExAC 0.00001; gnomAD 0.00001; 1000 Genomes Project 30x 0.00016; 1000 Genomes Project 0.00020.
gnomAD v4.1: 6 of 1,614,006 alleles (0.00037%); highest among the groups gnomAD compares: South Asian, 0.0044%; no homozygotes.

Submissions (2):

Labcorp Genetics (formerly Invitae), Labcorp
Classification: Likely benign for RYR1-related disorder. Last evaluated: 2024-07-01. Review status: criteria provided, single submitter. Criteria: Invitae Variant Classification Sherloc (09022015). Collection method: clinical testing. Allele origin: germline.

All of Us Research Program, National Institutes of Health
Classification: Uncertain significance for Malignant hyperthermia, susceptibility to, 1. Last evaluated: 2023-06-26. Review status: criteria provided, single submitter. Criteria: ACMG Guidelines, 2015. Collection method: clinical testing. Allele origin: germline. Inheritance: Autosomal dominant inheritance. Observed: 1 variant allele, 1 heterozygote.
Comment: This variant is located in the RYR1 protein. To our knowledge, functional studies have not been reported for this variant. This variant has not been reported in individuals affected with RYR1-related disorders in the literature. This variant has been identified in 2/251274 chromosomes in the general population by the Genome Aggregation Database (gnomAD). The available evidence is insufficient to determine the role of this variant in disease conclusively. Therefore, this variant is classified as a Variant of Uncertain Significance.

This study involves interpretation of variants in research participants for the purpose of population health screening. Participant phenotype was not available at the time of variant classification. Additional details can be found in publication PMID: 35346344, PMCID: PMC8962531